The following is an entry in ClinVar:

NM_199242.3(UNC13D):c.2346_2349del (p.Arg782fs)

Gene: UNC13D (unc-13 homolog D; minus strand). Cytogenetic location: 17q25.1.
Variant type: Deletion.
Coding change: c.2346_2349del on transcript NM_199242.3 (MANE Select); coding-DNA positions 2346 to 2349, 4 bases deleted (GGAG; older notation c.2346_2349delGGAG).
Protein change: p.Arg782fs; shifts the reading frame from arginine 782.
Molecular consequence: frameshift variant.
Genome position (GRCh38, 1-based): chr17:75,834,093-75,834,096, CTCC deleted on the plus strand (GGAG on the coding strand, the reverse complement: UNC13D is on the minus strand); deleting any 4 consecutive bases within chr17:75,834,093-75,834,098 gives the same sequence; the c. name uses the placement nearest the transcript's 3' end. VCF-style (leftmost placement, unchanged base first): chr17-75834092-ACTCC-A. GRCh37 (hg19) VCF-style: chr17-73830173-ACTCC-A.
Other names: p.Arg782Serfs*12; c.2346_2349delGGAG (NM_199242.2, NM_199242.3); short protein forms R782fs.
Identifiers: ClinVar variation 420155 (VCV000420155.29), dbSNP rs764196809, ClinGen allele CA8772585.
Genomic context (GRCh38, chr17:75,834,092, plus strand): 5'-GCTGGCAGGGTGGTGAAGGCCAGCAGGCAGAAGGGCCACTTACATCCTCAGGCAGGACAG[ACTCC>A]CTGACGCCCACCAGTTTCTGGATGTGCTTGGCGATGCCCACCTCCAACTGGAGACACAAA-3'

ClinVar aggregate classification (germline): Pathogenic. Review status: criteria provided, multiple submitters, no conflicts (2 of 4 stars). 13 submissions from 13 submitters: Pathogenic (13). Last evaluated 2026-01-24.

Conditions:
UNC13D-related disorder. Also called: UNC13D-related condition.
Familial hemophagocytic lymphohistiocytosis (FHL). Also called: Hereditary hemophagocytic lymphohistiocytosis; Familial erythrophagocytic lymphohistiocytosis; Familial histiocytic reticulosis. Identifiers: Orphanet 158038, Orphanet 540, MedGen C0272199, MONDO:0015541.
Autoinflammatory syndrome. Identifiers: Orphanet 93665, MedGen C3890737, MONDO:0019751.
Familial hemophagocytic lymphohistiocytosis 3 (FHL3). Also called: UNC13D-Related Familial Hemophagocytic Lymphohistiocytosis (UNC13D-fHLH). Identifiers: Orphanet 540, MedGen C1837174, MONDO:0012146, OMIM 608898.

Submissions (13):

Labcorp Genetics (formerly Invitae), Labcorp
Classification: Pathogenic for Familial hemophagocytic lymphohistiocytosis 3. Last evaluated: 2026-01-24. Review status: criteria provided, single submitter. Criteria: Invitae Variant Classification Sherloc (09022015). Collection method: clinical testing. Allele origin: germline.
Comment: This sequence change creates a premature translational stop signal (p.Arg782Serfs*12) in the UNC13D gene. It is expected to result in an absent or disrupted protein product. Loss-of-function variants in UNC13D are known to be pathogenic (PMID: 14622600). This variant is present in population databases (rs764196809, gnomAD 0.02%). This premature translational stop signal has been observed in individuals with familial hemophagocytic lymphohistiocytosis (PMID: 16278825, 18492689, 19484379, 20823128, 21248318, 26342526). ClinVar contains an entry for this variant (Variation ID: 420155). For these reasons, this variant has been classified as Pathogenic.

Blueprint Genetics
Classification: Pathogenic for UNC13D-related disorders. Last evaluated: 2024-11-26. Review status: criteria provided, single submitter. Criteria: ACMG Guidelines, 2015. Collection method: clinical testing. Allele origin: germline. Affected: yes. Observed: 5 variant alleles.

Women's Health and Genetics/Laboratory Corporation of America, LabCorp
Classification: Pathogenic for Familial hemophagocytic lymphohistiocytosis. Last evaluated: 2024-08-15. Review status: criteria provided, single submitter. Criteria: LabCorp Variant Classification Summary - May 2015. Collection method: clinical testing. Allele origin: germline.
Comment: Variant summary: UNC13D c.2346_2349delGGAG (p.Arg782SerfsX12) results in a premature termination codon, predicted to cause a truncation of the encoded protein or absence of the protein due to nonsense mediated decay, which are commonly known mechanisms for disease. The variant allele was found at a frequency of 0.00011 in 250908 control chromosomes. This frequency is not significantly higher than estimated for a pathogenic variant in UNC13D causing Familial Hemophagocytic Lymphohistiocytosis (0.00011 vs 0.0027), allowing no conclusion about variant significance. c.2346_2349delGGAG has been reported in the literature in individuals affected with Familial Hemophagocytic Lymphohistiocytosis (e.g. Zur Stadt_2006). The following publication have been ascertained in the context of this evaluation (PMID: 16278825). ClinVar contains an entry for this variant (Variation ID: 420155). Based on the evidence outlined above, the variant was classified as pathogenic.

Mayo Clinic Laboratories, Mayo Clinic
Classification: Pathogenic. Last evaluated: 2024-05-29. Review status: criteria provided, single submitter. Criteria: ACMG Guidelines, 2015. Collection method: clinical testing. Allele origin: germline. Observed: 1 variant allele.
Comment: PM3_strong, PS4_moderate, PVS1

Fulgent Genetics
Classification: Pathogenic for Familial hemophagocytic lymphohistiocytosis 3. Last evaluated: 2024-02-17. Review status: criteria provided, single submitter. Criteria: ACMG Guidelines, 2015. Collection method: clinical testing. Allele origin: germline.

GeneDx
Classification: Pathogenic. Last evaluated: 2023-10-19. Review status: criteria provided, single submitter. Criteria: GeneDx Variant Classification Process June 2021. Collection method: clinical testing. Allele origin: germline. Affected: yes.
Comment: Frameshift variant predicted to result in protein truncation or nonsense mediated decay in a gene for which loss of function is a known mechanism of disease; This variant is associated with the following publications: (PMID: 16278825, 16825436, 28973083, 20823128, 26342526, 30760465, 34426522, 31589614, 34677667, 32542393, 32500225, 17993578)

3billion
Classification: Pathogenic for Familial hemophagocytic lymphohistiocytosis 3. Last evaluated: 2023-09-22. Review status: criteria provided, single submitter. Criteria: ACMG Guidelines, 2015. Collection method: clinical testing. Allele origin: germline. Affected: yes.
Comment: The variant is observed at an extremely low frequency in the gnomAD v2.1.1 dataset (total allele frequency: 0.010%). Predicted Consequence/Location: Frameshift: predicted to result in a loss or disruption of normal protein function through nonsense-mediated decay (NMD) or protein truncation. Multiple pathogenic variants are reported downstream of the variant. The variant has been reported to be in trans with a pathogenic variant as either compound heterozygous or homozygous in at least 2 similarly affected unrelated individuals (PMID: 16278825, 18492689, 20823128, 21248318). The variant has been reported at least twice as pathogenic with clinical assertions and evidence for the classification (ClinVar ID: VCV000420155 /PMID: 16278825). Therefore, this variant is classified as Pathogenic according to the recommendation of ACMG/AMP guideline.

Department of Pathology and Laboratory Medicine, Sinai Health System
Classification: Pathogenic for Familial hemophagocytic lymphohistiocytosis 3. Last evaluated: 2023-05-09. Review status: criteria provided, single submitter. Criteria: ACMG Guidelines, 2015. Collection method: research. Allele origin: germline.

Dubai Health Genomic Medicine Center, Dubai Health
Classification: Pathogenic. Last evaluated: 2022-12-17. Review status: criteria provided, single submitter. Criteria: ACMG Guidelines, 2015. Collection method: clinical testing. Allele origin: germline. Affected: yes.

Genetic Services Laboratory, University of Chicago
Classification: Pathogenic. Last evaluated: 2021-10-06. Review status: criteria provided, single submitter. Criteria: ACMG Guidelines, 2015. Collection method: clinical testing. Allele origin: germline. Affected: yes.
Comment: DNA sequence analysis of the UNC13D gene demonstrated a four base pair deletion in exon 24, c.2346_2349del. This pathogenic sequence change results in an amino acid frameshift and creates a premature stop codon 12 amino acids downstream of the change, p.Arg782Serfs*12. This pathogenic sequence change is predicted to result in an abnormal transcript, which may be degraded, or may lead to the production of a truncated UNC13D protein with potentially abnormal function. This sequence change has been described in the gnomAD database with a frequency of 0.02%in the non-Finnish European subpopulation (dbSNP rs764196809). This pathogenic sequence change has previously been described in an individuals with UNC13D-related hemophagocytic lymphohistiocytosis (PMID: 16278825, 32542393, 20823128, 17993578, 30295794). Collectively these evidences suggest that, the c.2346_2349del change is likely pathogenic, however functional studies have not been performed to prove this conclusively.

CENTOGENE GmbH and LLC - Guiding Precision Medicine
Classification: Pathogenic for Familial hemophagocytic lymphohistiocytosis 3. Last evaluated: 2020-08-06. Review status: criteria provided, single submitter. Criteria: ACMG Guidelines, 2015. Collection method: clinical testing. Allele origin: paternal. Affected: no.

Genome Diagnostics Laboratory, The Hospital for Sick Children
Classification: Pathogenic for Autoinflammatory syndrome. Last evaluated: 2017-01-06. Review status: criteria provided, single submitter. Criteria: ACMG Guidelines, 2015. Collection method: clinical testing. Allele origin: germline. Affected: yes.

Institute of Human Genetics, University of Leipzig Medical Center
Classification: Pathogenic for Familial hemophagocytic lymphohistiocytosis 3. Review status: criteria provided, single submitter. Criteria: ACMG Guidelines, 2015. Collection method: clinical testing. Allele origin: maternal. Inheritance: Autosomal recessive inheritance. Affected: yes.
Comment: Criteria applied: PVS1,PM3_VSTR

Literature cited by the submitters: PubMed 14622600 (cited by Labcorp Genetics (formerly Invitae), Labcorp); PubMed 16278825 (cited by 4 submitters); PubMed 18492689 (cited by Labcorp Genetics (formerly Invitae), Labcorp and 3billion); PubMed 19484379 (cited by Labcorp Genetics (formerly Invitae), Labcorp); PubMed 20823128 (cited by 3 submitters); PubMed 21248318 (cited by Labcorp Genetics (formerly Invitae), Labcorp and 3billion); PubMed 26342526 (cited by Labcorp Genetics (formerly Invitae), Labcorp); PubMed 17993578 (cited by Mayo Clinic Laboratories, Mayo Clinic); PubMed 25023975 (cited by Mayo Clinic Laboratories, Mayo Clinic); PubMed 28973083 (cited by Mayo Clinic Laboratories, Mayo Clinic); PubMed 32542393 (cited by Mayo Clinic Laboratories, Mayo Clinic).